The following is an entry in ClinVar:

NM_002875.5(RAD51):c.533A>G (p.Tyr178Cys)

Gene: RAD51 (RAD51 recombinase; plus strand). Cytogenetic location: 15q15.1.
Variant type: single nucleotide variant.
Coding change: c.533A>G on transcript NM_002875.5 (MANE Select); coding-DNA position 533, A replaced by G.
Protein change: p.Tyr178Cys; replaces tyrosine 178 with cysteine.
Molecular consequence: missense variant.
Genome position (GRCh38, 1-based): chr15:40,728,713, A>G. VCF-style: chr15-40728713-A-G. GRCh37 (hg19) VCF-style: chr15-41020911-A-G.
Other names: c.536A>G (NM_001164269.1); c.536A>G, p.Tyr179Cys (NM_001164269.2, NM_133487.4); c.533A>G, p.Tyr178Cys (NM_001164270.2); short protein forms Y179C, Y178C.
Identifiers: ClinVar variation 1746914 (VCV001746914.3), dbSNP rs779214128, ClinGen allele CA7484050.

ClinVar aggregate classification (germline): Uncertain significance. Review status: criteria provided, multiple submitters, no conflicts (2 of 4 stars). 2 submissions from 2 submitters: Uncertain significance (2). Last evaluated 2026-05-14.

Conditions:
RAD51-related disorder. Also called: RAD51-related disorders; RAD51-related condition.
Inborn genetic diseases. Identifiers: MedGen C0950123, MeSH D030342.

Allele frequency attached by ClinVar (database versions not stated): ExAC 0.00001; gnomAD 0.00001; TOPMed 0.00002.
gnomAD v4.1: 46 of 1,613,194 alleles (0.0029%); highest among the groups gnomAD compares: Non-Finnish European, 0.0038%; no homozygotes.

Submissions (2):

PreventionGenetics, part of Exact Sciences
Classification: Uncertain significance for RAD51-related condition. Last evaluated: 2026-05-14. Review status: criteria provided, single submitter. Criteria: ACMG Guidelines, 2015. Collection method: clinical testing. Allele origin: germline.
Comment: The RAD51 c.536A>G variant is predicted to result in the amino acid substitution p.Tyr179Cys. To our knowledge, this variant has not been reported in the literature. This variant is reported in 0.0023% of alleles in individuals of European (Non-Finnish) descent in gnomAD and is interpreted as uncertain in ClinVar (Variation ID: 1746914). At this time, the clinical significance of this variant is uncertain due to the absence of conclusive functional and genetic evidence.

Ambry Genetics
Classification: Uncertain significance for Inborn genetic diseases. Last evaluated: 2023-11-02. Review status: criteria provided, single submitter. Criteria: Ambry Variant Classification Scheme 2023. Collection method: clinical testing. Allele origin: germline.
Comment: The p.Y178C variant (also known as c.533A>G), located in coding exon 6 of the RAD51 gene, results from an A to G substitution at nucleotide position 533. The tyrosine at codon 178 is replaced by cysteine, an amino acid with highly dissimilar properties. This amino acid position is conserved. In addition, the in silico prediction for this alteration is inconclusive. Since supporting evidence is limited at this time, the clinical significance of this alteration remains unclear.